The following is an entry in ClinVar:

NM_000455.5(STK11):c.351A>G (p.Leu117=)

Gene: STK11 (serine/threonine kinase 11; plus strand). Cytogenetic location: 19p13.3.
Variant type: single nucleotide variant.
Coding change: c.351A>G on transcript NM_000455.5 (MANE Select); coding-DNA position 351, A replaced by G.
Protein change: p.Leu117=; no amino-acid change (leucine 117 retained).
Molecular consequence: synonymous variant.
Genome position (GRCh38, 1-based): chr19:1,218,477, A>G. VCF-style: chr19-1218477-A-G. GRCh37 (hg19) VCF-style: chr19-1218476-A-G.
Identifiers: ClinVar variation 1595116 (VCV001595116.13), dbSNP rs2080758837, ClinGen allele CA504706572.

ClinVar aggregate classification (germline): Benign/Likely benign. Review status: criteria provided, multiple submitters, no conflicts (2 of 4 stars). 4 submissions from 4 submitters: Benign (1); Likely benign (2). 1 of the submissions does not count toward it. Last evaluated 2025-03-25.

Conditions:
STK11-related disorder. Also called: STK11-related condition.
Hereditary cancer-predisposing syndrome. Also called: Hereditary Cancer Syndrome; Tumor predisposition; Neoplastic Syndromes, Hereditary; Hereditary neoplastic syndrome. Identifiers: Orphanet 140162, MedGen C0027672, MeSH D009386, MONDO:0015356.
Peutz-Jeghers syndrome (PJS). Also called: Peutz-Jeghers polyposis; Periorificial lentiginosis syndrome; POLYPOSIS, HAMARTOMATOUS INTESTINAL; POLYPS-AND-SPOTS SYNDROME. Identifiers: Orphanet 2869, MedGen C0031269, MeSH D010580, MONDO:0008280, OMIM 175200.

Submissions (4):

Myriad Genetics, Inc.
Classification: Benign for Peutz-Jeghers syndrome. Last evaluated: 2025-03-25. Review status: criteria provided, single submitter. Criteria: Myriad Autosomal Dominant, Autosomal Recessive and X-Linked Classification Criteria (2023). Collection method: clinical testing. Allele origin: unknown.
Comment: This variant is considered benign. This variant is a silent/synonymous amino acid change and it is not expected to impact splicing.

Labcorp Genetics (formerly Invitae), Labcorp
Classification: Likely benign for Peutz-Jeghers syndrome. Last evaluated: 2024-11-04. Review status: criteria provided, single submitter. Criteria: Invitae Variant Classification Sherloc (09022015). Collection method: clinical testing. Allele origin: germline.

Ambry Genetics
Classification: Likely benign for Hereditary cancer-predisposing syndrome. Last evaluated: 2020-01-02. Review status: criteria provided, single submitter. Criteria: Ambry Variant Classification Scheme 2023. Collection method: clinical testing. Allele origin: germline.

PreventionGenetics, part of Exact Sciences
Classification: Likely benign for STK11-related condition. Last evaluated: 2023-10-16. Review status: no assertion criteria provided. Collection method: clinical testing. Allele origin: germline. Not counted in ClinVar's aggregate classification.
Comment: This variant is classified as likely benign based on ACMG/AMP sequence variant interpretation guidelines (Richards et al. 2015 PMID: 25741868, with internal and published modifications).